The following is an entry in ClinVar:

ClinVar aggregate classification (germline): Conflicting classifications of pathogenicity. Review status: criteria provided, conflicting classifications (1 of 4 stars). 3 submissions from 3 submitters: Uncertain significance (1); Likely benign (2). Last evaluated 2024-07-02.

Conditions:
Inborn genetic diseases. Identifiers: MedGen C0950123, MeSH D030342.
Combined immunodeficiency due to LRBA deficiency. Also called: Common variable immunodeficiency 8, with autoimmunity. Identifiers: Orphanet 445018, MedGen C3553512, MONDO:0013863, OMIM 614700.

Allele frequency attached by ClinVar (database versions not stated): ExAC 0.00002; gnomAD 0.00002 and 0.00003; TOPMed 0.00003; gnomAD exomes 0.00006 and 0.00008.
gnomAD v4.1: 125 of 1,612,698 alleles (0.0078%); highest among the groups gnomAD compares: East Asian, 0.013%; no homozygotes.

Submissions (3):

Blueprint Genetics
Classification: Likely benign. Last evaluated: 2024-07-02. Review status: criteria provided, single submitter. Criteria: ACMG Guidelines, 2015. Collection method: clinical testing. Allele origin: germline.

Ambry Genetics
Classification: Likely benign for Inborn genetic diseases. Last evaluated: 2023-05-31. Review status: criteria provided, single submitter. Criteria: Ambry Variant Classification Scheme 2023. Collection method: clinical testing. Allele origin: germline.

Labcorp Genetics (formerly Invitae), Labcorp
Classification: Uncertain significance for Combined immunodeficiency due to LRBA deficiency. Last evaluated: 2021-08-27. Review status: criteria provided, single submitter. Criteria: Invitae Variant Classification Sherloc (09022015). Collection method: clinical testing. Allele origin: germline.
Comment: This sequence change replaces valine with isoleucine at codon 2612 of the LRBA protein (p.Val2612Ile). The valine residue is weakly conserved and there is a small physicochemical difference between valine and isoleucine. This variant is present in population databases (rs565132015, ExAC 0.005%). This variant has not been reported in the literature in individuals affected with LRBA-related conditions. Algorithms developed to predict the effect of missense changes on protein structure and function output the following: SIFT: "Tolerated"; PolyPhen-2: "Benign"; Align-GVGD: "Class C0". The isoleucine amino acid residue is found in multiple mammalian species, which suggests that this missense change does not adversely affect protein function. In summary, the available evidence is currently insufficient to determine the role of this variant in disease. Therefore, it has been classified as a Variant of Uncertain Significance.

NM_001364905.1(LRBA):c.7801G>A (p.Val2601Ile)

Gene: LRBA (LPS responsive beige-like anchor protein; minus strand). Cytogenetic location: 4q31.3.
Variant type: single nucleotide variant.
Coding change: c.7801G>A on transcript NM_001364905.1 (MANE Select); coding-DNA position 7801, G replaced by A.
Protein change: p.Val2601Ile; replaces valine 2601 with isoleucine.
Molecular consequence: missense variant.
Genome position (GRCh38, 1-based): chr4:150,310,277, C>T on the plus strand (G>A on the coding strand, the complement: LRBA is on the minus strand). VCF-style: chr4-150310277-C-T. GRCh37 (hg19) VCF-style: chr4-151231429-C-T.
Other names: c.7801G>A, p.Val2601Ile (NM_001199282.3); c.7816G>A, p.Val2606Ile (NM_001367550.1); c.7834G>A, p.Val2612Ile (NM_006726.5); short protein forms V2601I, V2612I, V2606I.
Identifiers: ClinVar variation 568161 (VCV000568161.10), dbSNP rs565132015, ClinGen allele CA3101525.